The following is an entry in ClinVar:

NM_000179.3(MSH6):c.4069A>C (p.Ile1357Leu)

Gene: MSH6 (mutS homolog 6; plus strand). Cytogenetic location: 2p16.3.
Variant type: single nucleotide variant.
Coding change: c.4069A>C on transcript NM_000179.3 (MANE Select); coding-DNA position 4069, A replaced by C.
Protein change: p.Ile1357Leu; replaces isoleucine 1357 with leucine.
Molecular consequence: missense variant. On other transcripts: non-coding transcript variant (5), 3 prime UTR variant (5).
Genome position (GRCh38, 1-based): chr2:47,806,846, A>C. VCF-style: chr2-47806846-A-C. GRCh37 (hg19) VCF-style: chr2-48033985-A-C.
Other names: c.3901A>C, p.Ile1301Leu (NM_001406826.1); c.3772A>C, p.Ile1258Leu (NM_001406827.1, NM_001406828.1, NM_001406825.1 and 8 more transcripts); c.3163A>C, p.Ile1055Leu (NM_001406829.1, NM_001281493.2, NM_001281494.2 and 6 more transcripts); c.850A>C, p.Ile284Leu (NM_001406831.1); c.916A>C, p.Ile306Leu (NM_001406832.1); c.2014A>C, p.Ile672Leu (NM_001407362.1); c.3679A>C, p.Ile1227Leu (NM_001281492.2); c.4165A>C, p.Ile1389Leu (NM_001406795.1); and 9 more; short protein forms I1055L, I1227L, I1299L, I306L, I1258L, I1331L, I1357L, I1389L.
Identifiers: ClinVar variation 2751147 (VCV002751147.3), dbSNP rs2104585148, ClinGen allele CA346761752.

ClinVar aggregate classification (germline): Uncertain significance (1 of 4 stars; one submission).

Conditions:
Hereditary nonpolyposis colorectal neoplasms. Identifiers: MedGen C0009405, MeSH D003123.

Submission:

Labcorp Genetics (formerly Invitae), Labcorp
Classification: Uncertain significance for Hereditary nonpolyposis colorectal neoplasms. Last evaluated: 2023-08-08. Review status: criteria provided, single submitter. Criteria: Invitae Variant Classification Sherloc (09022015). Collection method: clinical testing. Allele origin: germline.
Comment: This sequence change replaces isoleucine, which is neutral and non-polar, with leucine, which is neutral and non-polar, at codon 1357 of the MSH6 protein (p.Ile1357Leu). Advanced modeling of protein sequence and biophysical properties (such as structural, functional, and spatial information, amino acid conservation, physicochemical variation, residue mobility, and thermodynamic stability) performed at Invitae indicates that this missense variant is not expected to disrupt MSH6 protein function. In summary, the available evidence is currently insufficient to determine the role of this variant in disease. Therefore, it has been classified as a Variant of Uncertain Significance. This variant has not been reported in the literature in individuals affected with MSH6-related conditions. This variant is not present in population databases (gnomAD no frequency).